The following is an entry in ClinVar:

ClinVar aggregate classification (germline): Uncertain significance. Review status: criteria provided, multiple submitters, no conflicts (2 of 4 stars). 2 submissions from 2 submitters: Uncertain significance (2). Last evaluated 2022-12-18.

Conditions:
Cardiovascular phenotype. Identifiers: MedGen CN230736.
RASopathy. Also called: Noonan spectrum disorder; rasopathies. Identifiers: Orphanet 536391, MedGen C5555857, MONDO:0021060.

gnomAD v4.1: 20 of 1,614,064 alleles (0.0012%); highest among the groups gnomAD compares: Non-Finnish European, 0.0016%; no homozygotes.

Submissions (2):

Ambry Genetics
Classification: Uncertain significance for Cardiovascular phenotype. Last evaluated: 2022-12-18. Review status: criteria provided, single submitter. Criteria: Ambry Variant Classification Scheme 2023. Collection method: clinical testing. Allele origin: germline.
Comment: The p.N616S variant (also known as c.1847A>G), located in coding exon 11 of the CBL gene, results from an A to G substitution at nucleotide position 1847. The asparagine at codon 616 is replaced by serine, an amino acid with highly similar properties. This amino acid position is conserved. In addition, this alteration is predicted to be tolerated by in silico analysis. Since supporting evidence is limited at this time, the clinical significance of this alteration remains unclear.

Labcorp Genetics (formerly Invitae), Labcorp
Classification: Uncertain significance for RASopathy. Last evaluated: 2022-09-15. Review status: criteria provided, single submitter. Criteria: Invitae Variant Classification Sherloc (09022015). Collection method: clinical testing. Allele origin: germline.
Comment: This sequence change replaces asparagine, which is neutral and polar, with serine, which is neutral and polar, at codon 616 of the CBL protein (p.Asn616Ser). This variant is present in population databases (no rsID available, gnomAD 0.01%). This variant has not been reported in the literature in individuals affected with CBL-related conditions. Advanced modeling of protein sequence and biophysical properties (such as structural, functional, and spatial information, amino acid conservation, physicochemical variation, residue mobility, and thermodynamic stability) performed at Invitae indicates that this missense variant is not expected to disrupt CBL protein function. In summary, the available evidence is currently insufficient to determine the role of this variant in disease. Therefore, it has been classified as a Variant of Uncertain Significance.

NM_005188.4(CBL):c.1847A>G (p.Asn616Ser)

Gene: CBL (Cbl proto-oncogene; plus strand). Cytogenetic location: 11q23.3.
Variant type: single nucleotide variant.
Coding change: c.1847A>G on transcript NM_005188.4 (MANE Select); coding-DNA position 1847, A replaced by G.
Protein change: p.Asn616Ser; replaces asparagine 616 with serine.
Molecular consequence: missense variant.
Genome position (GRCh38, 1-based): chr11:119,285,472, A>G. VCF-style: chr11-119285472-A-G. GRCh37 (hg19) VCF-style: chr11-119156182-A-G.
Other names: c.1847A>G (NM_005188.2); short protein forms N616S.
Identifiers: ClinVar variation 2159096 (VCV002159096.6), dbSNP rs376094293, ClinGen allele CA382920645.